The following is an entry in ClinVar:

ClinVar aggregate classification (germline): Uncertain significance (0 of 4 stars; one submission).

Conditions:
BBS12-related disorder. Also called: BBS12-related condition.

gnomAD v4.1: 1 of 1,614,200 alleles (0.000062%); highest among the groups gnomAD compares: Non-Finnish European, 0.000085%; no homozygotes.

Submission:

PreventionGenetics, part of Exact Sciences
Classification: Uncertain significance for BBS12-related condition. Last evaluated: 2024-01-16. Review status: no assertion criteria provided. Collection method: clinical testing. Allele origin: germline.
Comment: The BBS12 c.1018G>A variant is predicted to result in the amino acid substitution p.Val340Ile. To our knowledge, this variant has not been reported in the literature or in a large population database, indicating this variant is rare. At this time, the clinical significance of this variant is uncertain due to the absence of conclusive functional and genetic evidence.

NM_152618.3(BBS12):c.1018G>A (p.Val340Ile)

Gene: BBS12 (Bardet-Biedl syndrome 12; plus strand). Cytogenetic location: 4q27.
Variant type: single nucleotide variant.
Coding change: c.1018G>A on transcript NM_152618.3 (MANE Select); coding-DNA position 1018, G replaced by A.
Protein change: p.Val340Ile; replaces valine 340 with isoleucine.
Molecular consequence: missense variant.
Genome position (GRCh38, 1-based): chr4:122,742,910, G>A. VCF-style: chr4-122742910-G-A. GRCh37 (hg19) VCF-style: chr4-123664065-G-A.
Other names: c.1018G>A, p.Val340Ile (NM_001178007.2); short protein forms V340I.
Identifiers: ClinVar variation 3354144 (VCV003354144.1).